The following is an entry in ClinVar:

NM_000334.4(SCN4A):c.2774C>G (p.Pro925Arg)

Genes: GH-LCR (growth hormone locus control region; plus strand), SCN4A (sodium voltage-gated channel alpha subunit 4; minus strand). Cytogenetic location: 17q23.3.
Variant type: single nucleotide variant.
Coding change: c.2774C>G on transcript NM_000334.4 (MANE Select); coding-DNA position 2774, C replaced by G.
Protein change: p.Pro925Arg; replaces proline 925 with arginine.
Molecular consequence: missense variant.
Genome position (GRCh38, 1-based): chr17:63,951,503, G>C on the plus strand (C>G on the coding strand, the complement: SCN4A is on the minus strand). VCF-style: chr17-63951503-G-C. GRCh37 (hg19) VCF-style: chr17-62028863-G-C.
Other names: short protein forms P925R.
Identifiers: ClinVar variation 2918471 (VCV002918471.3), dbSNP rs768982823, ClinGen allele CA8709504.
Genomic context (GRCh38, chr17:63,951,503, plus strand): 5'-GAGAAAGTGTCGGTTTCCTCCTCGGTGGGCATCTCCAGGTCGGACTCCTCGGAGGCGATG[G>C]GCACCTGTATGGTCAGGTAGGGGTTGTTGATGAAGTTAAGGTGGTCCAGCTCGAGGCTGG-3'
Protein context (NP_000325.4, residues 915-935): INNPYLTIQV[Pro925Arg]IASEESDLEM

ClinVar aggregate classification (germline): Uncertain significance (1 of 4 stars; one submission).

Conditions:
Hyperkalemic periodic paralysis. Also called: Familial hyperkalemic periodic paralysis; Gamstorp disease. Identifiers: Orphanet 682, MedGen C0238357, MONDO:0008224, OMIM 170500, HP:0007215.

Allele frequency attached by ClinVar (database versions not stated): ExAC 0.00001.

Submission:

Labcorp Genetics (formerly Invitae), Labcorp
Classification: Uncertain significance for Hyperkalemic periodic paralysis. Last evaluated: 2023-11-04. Review status: criteria provided, single submitter. Criteria: Invitae Variant Classification Sherloc (09022015). Collection method: clinical testing. Allele origin: germline.
Comment: This sequence change replaces proline, which is neutral and non-polar, with arginine, which is basic and polar, at codon 925 of the SCN4A protein (p.Pro925Arg). This variant is not present in population databases (gnomAD no frequency). This variant has not been reported in the literature in individuals affected with SCN4A-related conditions. Advanced modeling of protein sequence and biophysical properties (such as structural, functional, and spatial information, amino acid conservation, physicochemical variation, residue mobility, and thermodynamic stability) has been performed at Invitae for this missense variant, however the output from this modeling did not meet the statistical confidence thresholds required to predict the impact of this variant on SCN4A protein function. In summary, the available evidence is currently insufficient to determine the role of this variant in disease. Therefore, it has been classified as a Variant of Uncertain Significance.